The following is an entry in ClinVar:

ClinVar aggregate classification (germline): Uncertain significance (1 of 4 stars; one submission).

Allele frequency attached by ClinVar (database versions not stated): gnomAD 0.00001; TOPMed 0.00001; gnomAD exomes 0.00004; ExAC 0.00006.
gnomAD v4.1: 59 of 1,613,356 alleles (0.0037%); highest among the groups gnomAD compares: Non-Finnish European, 0.0048%; no homozygotes.

Submission:

Labcorp Genetics (formerly Invitae), Labcorp
Classification: Uncertain significance. Last evaluated: 2024-06-17. Review status: criteria provided, single submitter. Criteria: Invitae Variant Classification Sherloc (09022015). Collection method: clinical testing. Allele origin: germline.
Comment: This sequence change replaces methionine, which is neutral and non-polar, with leucine, which is neutral and non-polar, at codon 873 of the FCHO1 protein (p.Met873Leu). This variant is present in population databases (rs754892983, gnomAD 0.005%). This variant has not been reported in the literature in individuals affected with FCHO1-related conditions. ClinVar contains an entry for this variant (Variation ID: 1959351). An algorithm developed to predict the effect of missense changes on protein structure and function (PolyPhen-2) suggests that this variant¬†is likely to be tolerated. In summary, the available evidence is currently insufficient to determine the role of this variant in disease. Therefore, it has been classified as a Variant of Uncertain Significance.

NM_015122.3(FCHO1):c.2617A>C (p.Met873Leu)

Gene: FCHO1 (FCH and mu domain containing endocytic adaptor 1; plus strand). Cytogenetic location: 19p13.11.
Variant type: single nucleotide variant.
Coding change: c.2617A>C on transcript NM_015122.3 (MANE Select); coding-DNA position 2617, A replaced by C.
Protein change: p.Met873Leu; replaces methionine 873 with leucine.
Molecular consequence: missense variant. On other transcripts: non-coding transcript variant (36).
Genome position (GRCh38, 1-based): chr19:17,787,816, A>C. VCF-style: chr19-17787816-A-C. GRCh37 (hg19) VCF-style: chr19-17898625-A-C.
Other names: c.2617A>C, p.Met873Leu (NM_001161357.2, NM_001161358.2, NM_001384370.1 and 11 more transcripts); c.2467A>C, p.Met823Leu (NM_001161359.2, NM_001384384.1, NM_001384385.1 and 1 more transcripts); c.2596A>C, p.Met866Leu (NM_001384387.1); c.2578A>C, p.Met860Leu (NM_001384388.1, NM_001384389.1); c.2542A>C, p.Met848Leu (NM_001384390.1); c.2417A>C, p.His806Pro (NM_001384391.1); c.2500A>C, p.Met834Leu (NM_001384392.1, NM_001384393.1, NM_001384394.1 and 1 more transcripts); c.2341A>C, p.Met781Leu (NM_001384396.1, NM_001384397.1, NM_001384398.1 and 4 more transcripts); and 5 more; short protein forms H664P, M766L, M781L, M834L, M823L, M873L, H714P, M572L.
Identifiers: ClinVar variation 1959351 (VCV001959351.4), dbSNP rs754892983, ClinGen allele CA9300941.